The following is an entry in ClinVar:

NM_004281.4(BAG3):c.1249C>T (p.Pro417Ser)

Gene: BAG3 (BAG cochaperone 3; plus strand). Cytogenetic location: 10q26.11.
Variant type: single nucleotide variant.
Coding change: c.1249C>T on transcript NM_004281.4 (MANE Select); coding-DNA position 1249, C replaced by T.
Protein change: p.Pro417Ser; replaces proline 417 with serine.
Molecular consequence: missense variant.
Genome position (GRCh38, 1-based): chr10:119,676,803, C>T. VCF-style: chr10-119676803-C-T. GRCh37 (hg19) VCF-style: chr10-121436315-C-T.
Other names: short protein forms P417S.
Identifiers: ClinVar variation 640631 (VCV000640631.8), dbSNP rs1589632706, ClinGen allele CA378296915.

ClinVar aggregate classification (germline): Uncertain significance (1 of 4 stars; one submission).

Conditions:
Myofibrillar myopathy 6. Identifiers: Orphanet 199340, MedGen C2751831, MONDO:0013061, OMIM 612954.
Dilated cardiomyopathy 1HH (CMD1HH). Identifiers: Orphanet 154, MedGen C3151293, MONDO:0013479, OMIM 613881.

Submission:

Labcorp Genetics (formerly Invitae), Labcorp
Classification: Uncertain significance for Dilated cardiomyopathy 1HH; Myofibrillar myopathy 6. Last evaluated: 2024-08-29. Review status: criteria provided, single submitter. Criteria: Invitae Variant Classification Sherloc (09022015). Collection method: clinical testing. Allele origin: germline.
Comment: This sequence change replaces proline, which is neutral and non-polar, with serine, which is neutral and polar, at codon 417 of the BAG3 protein (p.Pro417Ser). This variant is not present in population databases (gnomAD no frequency). This variant has not been reported in the literature in individuals affected with BAG3-related conditions. ClinVar contains an entry for this variant (Variation ID: 640631). Invitae Evidence Modeling of protein sequence and biophysical properties (such as structural, functional, and spatial information, amino acid conservation, physicochemical variation, residue mobility, and thermodynamic stability) indicates that this missense variant is not expected to disrupt BAG3 protein function with a negative predictive value of 80%. In summary, the available evidence is currently insufficient to determine the role of this variant in disease. Therefore, it has been classified as a Variant of Uncertain Significance.